The following is an entry in ClinVar:

ClinVar aggregate classification (germline): Benign (1 of 4 stars; one submission).

Allele frequency attached by ClinVar (database versions not stated): gnomAD exomes 0.07602; ExAC 0.14867; gnomAD 0.20672; TOPMed 0.22591; 1000 Genomes Project 0.30052; 1000 Genomes Project 30x 0.30325.

Submission:

Unidad de Genómica Garrahan, Hospital de Pediatría Garrahan
Classification: Benign. Last evaluated: 2023-11-12. Review status: criteria provided, single submitter. Criteria: ACMG Guidelines, 2015. Collection method: clinical testing. Allele origin: germline. Affected: no. Observed: 35 variant alleles.
Comment: This variant is classified as Benign based on local population frequency. This variant was detected in 36% of patients studied by a panel of primary immunodeficiencies. Number of patients: 35. Only high quality variants are reported.

NM_001039569.2(AP1S3):c.429+78dup

Gene: AP1S3 (adaptor related protein complex 1 subunit sigma 3; minus strand). Cytogenetic location: 2q36.1.
Variant type: Duplication.
Coding change: c.429+78dup on transcript NM_001039569.2 (MANE Select); 78 bases into the intron after coding-DNA position 429, one base duplicated (A; older notation c.429+78dupA).
Molecular consequence: intron variant.
Genome position (GRCh38, 1-based): chr2:223,765,135, T duplicated on the plus strand (A on the coding strand, the reverse complement: AP1S3 is on the minus strand). VCF-style (leftmost placement, unchanged base first): chr2-223765134-C-CT. GRCh37 (hg19) VCF-style: chr2-224629851-C-CT.
Identifiers: ClinVar variation 2628220 (VCV002628220.2), dbSNP rs11455542, ClinGen allele CA2138267.